The following is an entry in ClinVar:

ClinVar aggregate classification (germline): Uncertain significance. Review status: criteria provided, multiple submitters, no conflicts (2 of 4 stars). 3 submissions from 3 submitters: Uncertain significance (2). 1 of the submissions does not count toward it. Last evaluated 2024-08-13.

Conditions:
NTRK2-related disorder. Also called: NTRK2-related condition.

Allele frequency attached by ClinVar (database versions not stated): TOPMed below 0.00001; gnomAD 0.00001.
gnomAD v4.1: 8 of 1,612,208 alleles (0.0005%); highest among the groups gnomAD compares: Non-Finnish European, 0.00059%; no homozygotes.

Submissions (3):

Labcorp Genetics (formerly Invitae), Labcorp
Classification: Uncertain significance. Last evaluated: 2024-08-13. Review status: criteria provided, single submitter. Criteria: Invitae Variant Classification Sherloc (09022015). Collection method: clinical testing. Allele origin: germline.
Comment: This sequence change replaces arginine, which is basic and polar, with glycine, which is neutral and non-polar, at codon 124 of the NTRK2 protein (p.Arg124Gly). This variant is present in population databases (no rsID available, gnomAD 0.002%). This variant has not been reported in the literature in individuals affected with NTRK2-related conditions. Advanced modeling of protein sequence and biophysical properties (such as structural, functional, and spatial information, amino acid conservation, physicochemical variation, residue mobility, and thermodynamic stability) performed at Invitae indicates that this missense variant is not expected to disrupt NTRK2 protein function with a negative predictive value of 80%. In summary, the available evidence is currently insufficient to determine the role of this variant in disease. Therefore, it has been classified as a Variant of Uncertain Significance.

CeGaT Center for Human Genetics Tuebingen
Classification: Uncertain significance. Last evaluated: 2024-05-01. Review status: criteria provided, single submitter. Criteria: CeGaT Center For Human Genetics Tuebingen Variant Classification Criteria Version 2. Collection method: clinical testing. Allele origin: germline. Affected: yes. Observed: 1 variant allele.
Comment: NTRK2: PM2:Supporting, BP4

PreventionGenetics, part of Exact Sciences
Classification: Uncertain significance for NTRK2-related condition. Last evaluated: 2024-05-20. Review status: no assertion criteria provided. Collection method: clinical testing. Allele origin: germline. Not counted in ClinVar's aggregate classification.
Comment: The NTRK2 c.370C>G variant is predicted to result in the amino acid substitution p.Arg124Gly. To our knowledge, this variant has not been reported in the literature. This variant is reported in 0.0018% of alleles in individuals of European (Non-Finnish) descent in gnomAD. At this time, the clinical significance of this variant is uncertain due to the absence of conclusive functional and genetic evidence.

NM_006180.6(NTRK2):c.370C>G (p.Arg124Gly)

Gene: NTRK2 (neurotrophic receptor tyrosine kinase 2; plus strand). Cytogenetic location: 9q21.33.
Variant type: single nucleotide variant.
Coding change: c.370C>G on transcript NM_006180.6 (MANE Select); coding-DNA position 370, C replaced by G.
Protein change: p.Arg124Gly; replaces arginine 124 with glycine.
Molecular consequence: missense variant. On other transcripts: 5 prime UTR variant (5).
Genome position (GRCh38, 1-based): chr9:84,707,854, C>G. VCF-style: chr9-84707854-C-G. GRCh37 (hg19) VCF-style: chr9-87322769-C-G.
Other names: c.370C>G, p.Arg124Gly (NM_001369538.1, NM_001369539.1, NM_001369540.1 and 19 more transcripts); c.-99C>G (NM_001369550.1, NM_001369551.1, NM_001369552.1 and 2 more transcripts); c.370C>G (NM_006180.4); short protein forms R124G.
Identifiers: ClinVar variation 2768262 (VCV002768262.22), dbSNP rs1229434307, ClinGen allele CA374005374.